The following is an entry in ClinVar:

ClinVar aggregate classification (germline): Uncertain significance (1 of 4 stars; one submission).

Conditions:
Inborn genetic diseases. Identifiers: MedGen C0950123, MeSH D030342.

Submission:

Ambry Genetics
Classification: Uncertain significance for Inborn genetic diseases. Last evaluated: 2024-03-12. Review status: criteria provided, single submitter. Criteria: Ambry Variant Classification Scheme 2023. Collection method: clinical testing. Allele origin: germline.
Comment: The c.1149C>G (p.I383M) alteration is located in exon 12 (coding exon 10) of the PHF21A gene. This alteration results from a C to G substitution at nucleotide position 1149, causing the isoleucine (I) at amino acid position 383 to be replaced by a methionine (M). This variant was not reported in population-based cohorts in the Genome Aggregation Database (gnomAD). This amino acid position is highly conserved in available vertebrate species. The in silico prediction for this alteration is inconclusive. Based on insufficient or conflicting evidence, the clinical significance of this alteration remains unclear.

NM_001352027.3(PHF21A):c.1152C>G (p.Ile384Met)

Gene: PHF21A (PHD finger protein 21A; minus strand). Cytogenetic location: 11p11.2.
Variant type: single nucleotide variant.
Coding change: c.1152C>G on transcript NM_001352027.3 (MANE Select); coding-DNA position 1152, C replaced by G.
Protein change: p.Ile384Met; replaces isoleucine 384 with methionine.
Molecular consequence: missense variant. On other transcripts: non-coding transcript variant (2).
Genome position (GRCh38, 1-based): chr11:45,949,477, G>C on the plus strand (C>G on the coding strand, the complement: PHF21A is on the minus strand). VCF-style: chr11-45949477-G-C. GRCh37 (hg19) VCF-style: chr11-45971028-G-C.
Other names: c.1149C>G, p.Ile383Met (NM_001101802.3, NM_001352030.3, NM_001352031.3 and 1 more transcripts); c.1152C>G, p.Ile384Met (NM_001352025.3, NM_001352026.3, NM_001352028.1 and 2 more transcripts); short protein forms I383M, I384M.
Identifiers: ClinVar variation 3212138 (VCV003212138.1), dbSNP rs2135466116, ClinGen allele CA380201227.
Genomic context (GRCh38, chr11:45,949,477, plus strand): 5'-TGCTCCACTGTAGACCGGATTTGCTGTTGTTCTTCTTTTTCGCTCTTGCCTCTTGCTTTG[G>C]ATTTCTTGAGAGAAGAAAAGGTTTTCATTAGCAGAGAGGCATGGAGAACCTAAAAAACTT-3'
Protein context (NP_001338956.1, residues 374-394): GLVTHDHLEE[Ile384Met]QSKRQERKRR